The following is an entry in ClinVar:

NM_001267550.2(TTN):c.22620T>C (p.Gly7540=)

Gene: TTN (titin; minus strand). Cytogenetic location: 2q31.2.
Variant type: single nucleotide variant.
Coding change: c.22620T>C on transcript NM_001267550.2 (MANE Select); coding-DNA position 22620, T replaced by C.
Protein change: p.Gly7540=; no amino-acid change (glycine 7540 retained).
Molecular consequence: synonymous variant. On other transcripts: intron variant (3).
Genome position (GRCh38, 1-based): chr2:178,722,043, A>G on the plus strand (T>C on the coding strand, the complement: TTN is on the minus strand). VCF-style: chr2-178722043-A-G. GRCh37 (hg19) VCF-style: chr2-179586770-A-G.
Other names: c.21669T>C, p.Gly7223= (NM_001256850.1); c.18888T>C, p.Gly6296= (NM_133378.4); c.13282+16039T>C (NM_003319.4); c.13858+16039T>C (NM_133437.4); c.13657+16039T>C (NM_133432.3).
Identifiers: ClinVar variation 517934 (VCV000517934.9), dbSNP rs1553909881, ClinGen allele CA430287655.

ClinVar aggregate classification (germline): Likely benign. Review status: criteria provided, multiple submitters, no conflicts (2 of 4 stars). 2 submissions from 2 submitters: Likely benign (2). Last evaluated 2025-08-24.

Conditions:
Dilated cardiomyopathy 1G (CMD1G). Identifiers: Orphanet 154, MedGen C1858763, MONDO:0011400, OMIM 604145.
Autosomal recessive limb-girdle muscular dystrophy type 2J (LGMDR10). Also called: Limb-girdle muscular dystrophy, type 2J; MUSCULAR DYSTROPHY, LIMB-GIRDLE, AUTOSOMAL RECESSIVE 10. Identifiers: Orphanet 140922, MedGen C1837342, MONDO:0012127, OMIM 608807.

Allele frequency attached by ClinVar (database versions not stated): TOPMed below 0.00001; gnomAD 0.00001; gnomAD exomes 0.00001.
gnomAD v4.1: 18 of 1,613,194 alleles (0.0011%); highest among the groups gnomAD compares: Non-Finnish European, 0.0014%; no homozygotes.

Submissions (2):

Labcorp Genetics (formerly Invitae), Labcorp
Classification: Likely benign for Dilated cardiomyopathy 1G; Autosomal recessive limb-girdle muscular dystrophy type 2J. Last evaluated: 2025-08-24. Review status: criteria provided, single submitter. Criteria: Invitae Variant Classification Sherloc (09022015). Collection method: clinical testing. Allele origin: germline.

GeneDx
Classification: Likely benign. Last evaluated: 2017-06-07. Review status: criteria provided, single submitter. Criteria: GeneDx Variant Classification (06012015). Collection method: clinical testing. Allele origin: germline. Affected: yes.
Comment: This variant is considered likely benign or benign based on one or more of the following criteria: it is a conservative change, it occurs at a poorly conserved position in the protein, it is predicted to be benign by multiple in silico algorithms, and/or has population frequency not consistent with disease.